The following is an entry in ClinVar:

ClinVar aggregate classification (germline): Pathogenic (1 of 4 stars; one submission).

Conditions:
Usher syndrome. Also called: Usher Syndromes; Usher's syndrome. Identifiers: Orphanet 886, MedGen CN469326, MeSH D052245, MONDO:0019501. Disease mechanism: loss of function.

Submission:

Women's Health and Genetics/Laboratory Corporation of America, LabCorp
Classification: Pathogenic for Usher syndrome. Last evaluated: 2025-10-10. Review status: criteria provided, single submitter. Criteria: LabCorp Variant Classification Summary - May 2015. Collection method: clinical testing. Allele origin: germline.
Comment: Variant summary: CDH23 c.8920delG (p.Glu2974SerfsX29) results in a premature termination codon, predicted to cause a truncation of the encoded protein or absence of the protein due to nonsense mediated decay, which are commonly known mechanisms for disease. The variant was absent in 246814 control chromosomes. To our knowledge, no occurrence of c.8920delG in individuals affected with CDH23-related conditions and no experimental evidence demonstrating its impact on protein function have been reported. No submitters have cited clinical-significance assessments for this variant to ClinVar. Based on the evidence outlined above, the variant was classified as pathogenic.

NM_022124.6(CDH23):c.8920del (p.Glu2974fs)

Gene: CDH23 (cadherin related 23; plus strand). Cytogenetic location: 10q22.1.
Variant type: Deletion.
Coding change: c.8920del on transcript NM_022124.6 (MANE Select); coding-DNA position 8920, one base deleted (G; older notation c.8920delG).
Protein change: p.Glu2974fs; shifts the reading frame from glutamic acid 2974.
Molecular consequence: frameshift variant.
Genome position (GRCh38, 1-based): chr10:71,810,017, G deleted; the last of 2 consecutive G bases (chr10:71,810,016-71,810,017); deleting either gives the same sequence. VCF-style (leftmost placement, unchanged base first): chr10-71810015-AG-A. GRCh37 (hg19) VCF-style: chr10-73569772-AG-A.
Other names: c.2200del, p.Glu734fs (NM_001171933.1, NM_001171934.1); c.8920delG (NM_022124.6); short protein forms E2974fs, E734fs.
Identifiers: ClinVar variation 4688173 (VCV004688173.1).